The following is an entry in ClinVar:

ClinVar aggregate classification (germline): Uncertain significance (1 of 4 stars; one submission).

Submission:

GeneDx
Classification: Uncertain significance. Last evaluated: 2026-02-24. Review status: criteria provided, single submitter. Criteria: GeneDx Variant Classification Process June 2021. Collection method: clinical testing. Allele origin: germline.
Comment: Not observed at significant frequency in large population cohorts (gnomAD); In silico analysis supports that this missense variant has a deleterious effect on protein structure/function; Has not been previously published as pathogenic or benign to our knowledge

NM_020738.4(KIDINS220):c.1357G>C (p.Glu453Gln)

Gene: KIDINS220 (kinase D interacting substrate 220; minus strand). Cytogenetic location: 2p25.1.
Variant type: single nucleotide variant.
Coding change: c.1357G>C on transcript NM_020738.4 (MANE Select); coding-DNA position 1357, G replaced by C.
Protein change: p.Glu453Gln; replaces glutamic acid 453 with glutamine.
Molecular consequence: missense variant. On other transcripts: non-coding transcript variant (2).
Genome position (GRCh38, 1-based): chr2:8,791,144, C>G on the plus strand (G>C on the coding strand, the complement: KIDINS220 is on the minus strand). VCF-style: chr2-8791144-C-G. GRCh37 (hg19) VCF-style: chr2-8931274-C-G.
Other names: c.1360G>C, p.Glu454Gln (NM_001348729.2, NM_001348731.2, NM_001348734.2 and 3 more transcripts); c.1357G>C, p.Glu453Gln (NM_001348732.2, NM_001348735.2, NM_001348738.2 and 3 more transcripts); c.1231G>C, p.Glu411Gln (NM_001348736.2); short protein forms E411Q, E453Q, E454Q.
Identifiers: ClinVar variation 5009826 (VCV005009826.1).
Genomic context (GRCh38, chr2:8,791,144, plus strand): 5'-ATTTCCCACTTCCCCACTGTGCATATAACCCCACACAAATGGGTGGCTGCATGGTAGGCT[C>G]ACTGAGAATATCTGCCAGGGCACTGCTATATAAATCATATCCAAGCATGTCACCGTCTGT-3'
Protein context (NP_065789.1, residues 443-463): YSSALADILS[Glu453Gln]PTMQPPICVG